The following is an entry in ClinVar:

ClinVar aggregate classification (germline): Uncertain significance (1 of 4 stars; one submission).

Submission:

CeGaT Center for Human Genetics Tuebingen
Classification: Uncertain significance. Last evaluated: 2025-07-01. Review status: criteria provided, single submitter. Criteria: CeGaT Center For Human Genetics Tuebingen Variant Classification Criteria Version 2. Collection method: clinical testing. Allele origin: germline. Affected: yes. Observed: 1 variant allele.
Comment: AARS1: PM2, PP3

NM_001605.3(AARS1):c.285C>G (p.His95Gln)

Gene: AARS1 (alanyl-tRNA synthetase 1; minus strand). Cytogenetic location: 16q22.1.
Variant type: single nucleotide variant.
Coding change: c.285C>G on transcript NM_001605.3 (MANE Select); coding-DNA position 285, C replaced by G.
Protein change: p.His95Gln; replaces histidine 95 with glutamine.
Molecular consequence: missense variant.
Genome position (GRCh38, 1-based): chr16:70,277,014, G>C on the plus strand (C>G on the coding strand, the complement: AARS1 is on the minus strand). VCF-style: chr16-70277014-G-C. GRCh37 (hg19) VCF-style: chr16-70310917-G-C.
Other names: short protein forms H95Q.
Identifiers: ClinVar variation 4085352 (VCV004085352.8).